The following is an entry in ClinVar:

NM_015631.6(TCTN3):c.1213T>A (p.Leu405Ile)

Gene: TCTN3 (tectonic family member 3; minus strand). Cytogenetic location: 10q24.1.
Variant type: single nucleotide variant.
Coding change: c.1213T>A on transcript NM_015631.6 (MANE Select); coding-DNA position 1213, T replaced by A.
Protein change: p.Leu405Ile; replaces leucine 405 with isoleucine.
Molecular consequence: missense variant.
Genome position (GRCh38, 1-based): chr10:95,683,186, A>T on the plus strand (T>A on the coding strand, the complement: TCTN3 is on the minus strand). VCF-style: chr10-95683186-A-T. GRCh37 (hg19) VCF-style: chr10-97442943-A-T.
Other names: c.1267T>A, p.Leu423Ile (NM_001013840.1); c.769T>A, p.Leu257Ile (NM_001143973.2); short protein forms L257I, L405I, L423I.
Identifiers: ClinVar variation 2090784 (VCV002090784.4), dbSNP rs2492743061, ClinGen allele CA377703754.

ClinVar aggregate classification (germline): Uncertain significance (1 of 4 stars; one submission).

Conditions:
Joubert syndrome 18 (JBTS18). Identifiers: Orphanet 2754, MedGen C3553758, MONDO:0013896, OMIM 614815.
Orofacial-digital syndrome IV (OFD4). Also called: BARAITSER-BURN SYNDROME; OFD SYNDROME WITH TIBIAL DEFECTS; OFD SYNDROME, BARAITSER-BURN TYPE; OFDS IV; ORAL-FACIAL-DIGITAL SYNDROME, TYPE IV; Orofaciodigital syndrome IV. Identifiers: Orphanet 2753, MedGen C0406727, MONDO:0009794, OMIM 258860.

Submission:

Labcorp Genetics (formerly Invitae), Labcorp
Classification: Uncertain significance for Joubert syndrome 18; Orofacial-digital syndrome IV. Last evaluated: 2025-03-17. Review status: criteria provided, single submitter. Criteria: Invitae Variant Classification Sherloc (09022015). Collection method: clinical testing. Allele origin: germline.
Comment: This sequence change replaces leucine, which is neutral and non-polar, with isoleucine, which is neutral and non-polar, at codon 405 of the TCTN3 protein (p.Leu405Ile). This variant is not present in population databases (gnomAD no frequency). This variant has not been reported in the literature in individuals affected with TCTN3-related conditions. ClinVar contains an entry for this variant (Variation ID: 2090784). Invitae Evidence Modeling of protein sequence and biophysical properties (such as structural, functional, and spatial information, amino acid conservation, physicochemical variation, residue mobility, and thermodynamic stability) indicates that this missense variant is not expected to disrupt TCTN3 protein function with a negative predictive value of 80%. In summary, the available evidence is currently insufficient to determine the role of this variant in disease. Therefore, it has been classified as a Variant of Uncertain Significance.